The following is an entry in ClinVar:

ClinVar aggregate classification (germline): Uncertain significance (1 of 4 stars; one submission).

Submission:

GeneDx
Classification: Uncertain significance. Last evaluated: 2024-03-14. Review status: criteria provided, single submitter. Criteria: GeneDx Variant Classification Process June 2021. Collection method: clinical testing. Allele origin: germline. Affected: yes.
Comment: Not observed at significant frequency in large population cohorts (gnomAD); In silico analysis supports that this missense variant has a deleterious effect on protein structure/function; Has not been previously published as pathogenic or benign to our knowledge

NM_004859.4(CLTC):c.2573T>C (p.Leu858Pro)

Gene: CLTC (clathrin heavy chain; plus strand). Cytogenetic location: 17q23.1.
Variant type: single nucleotide variant.
Coding change: c.2573T>C on transcript NM_004859.4 (MANE Select); coding-DNA position 2573, T replaced by C.
Protein change: p.Leu858Pro; replaces leucine 858 with proline.
Molecular consequence: missense variant.
Genome position (GRCh38, 1-based): chr17:59,676,965, T>C. VCF-style: chr17-59676965-T-C. GRCh37 (hg19) VCF-style: chr17-57754326-T-C.
Other names: c.2585T>C, p.Leu862Pro (NM_001288653.2); short protein forms L858P, L862P.
Identifiers: ClinVar variation 3370903 (VCV003370903.1).
Genomic context (GRCh38, chr17:59,676,965, plus strand): 5'-TATTTATAATACAGTATGTGTGTGTGAGGTTTTTTTCCTTTTTTCCTAGATTGAAACTGC[T>C]TCTGCCTTGGCTAGAGGCCAGAATTCATGAGGGCTGTGAGGAGCCTGCTACTCACAATGC-3'
Protein context (NP_004850.1, residues 848-868): EVEKRNRLKL[Leu858Pro]LPWLEARIHE